The following is an entry in ClinVar:

ClinVar aggregate classification (germline): Conflicting classifications of pathogenicity. Review status: criteria provided, conflicting classifications (1 of 4 stars). 11 submissions from 11 submitters: Uncertain significance (2); Benign (1); Likely benign (5). 3 of the submissions do not count toward it. Last evaluated 2026-01-25.

Conditions:
CC2D2A-related disorder. Also called: CC2D2A-related disorders; CC2D2A-related condition. Identifiers: MedGen CN239313.
Inborn genetic diseases. Identifiers: MedGen C0950123, MeSH D030342.
Joubert syndrome. Also called: Familial aplasia of the vermis; JOUBERT-BOLTSHAUSER SYNDROME. Identifiers: Orphanet 475, MedGen C5979921, MONDO:0018772.
Meckel-Gruber syndrome. Also called: Dysencephalia splachnocystica; DYSENCEPHALIA SPLANCHNOCYSTICA; GRUBER SYNDROME. Identifiers: Orphanet 564, MedGen C0265215, MONDO:0018921.

Allele frequency attached by ClinVar (database versions not stated): gnomAD exomes 0.00018 and 0.00034; ExAC 0.00060; ESP Exome Variant Server 0.00110; gnomAD 0.00117 and 0.00123; TOPMed 0.00123; 1000 Genomes Project 30x 0.00141; 1000 Genomes Project 0.00180.
gnomAD v4.1: 459 of 1,605,300 alleles (0.029%); highest among the groups gnomAD compares: African/African-American, 0.4%; 1 homozygote.

Submissions (11):

Labcorp Genetics (formerly Invitae), Labcorp
Classification: Benign for Joubert syndrome; Meckel-Gruber syndrome. Last evaluated: 2026-01-25. Review status: criteria provided, single submitter. Criteria: Invitae Variant Classification Sherloc (09022015). Collection method: clinical testing. Allele origin: germline.

CeGaT Center for Human Genetics Tuebingen
Classification: Likely benign. Last evaluated: 2025-10-01. Review status: criteria provided, single submitter. Criteria: CeGaT Center For Human Genetics Tuebingen Variant Classification Criteria Version 2. Collection method: clinical testing. Allele origin: germline. Affected: yes. Observed: 2 variant alleles.
Comment: CC2D2A: BP4, BS1

Ambry Genetics
Classification: Likely benign for Inborn genetic diseases. Last evaluated: 2025-09-10. Review status: criteria provided, single submitter. Criteria: Ambry Variant Classification Scheme 2023. Collection method: clinical testing. Allele origin: germline.

Mayo Clinic Laboratories, Mayo Clinic
Classification: Uncertain significance. Last evaluated: 2025-09-05. Review status: criteria provided, single submitter. Criteria: ACMG Guidelines, 2015. Collection method: clinical testing. Allele origin: germline. Observed: 5 variant alleles.
Comment: BP4_moderate

Blueprint Genetics
Classification: Likely benign. Last evaluated: 2024-11-01. Review status: criteria provided, single submitter. Criteria: ACMG Guidelines, 2015. Collection method: clinical testing. Allele origin: germline.

GeneDx
Classification: Likely benign. Last evaluated: 2020-09-02. Review status: criteria provided, single submitter. Criteria: GeneDx Variant Classification Process June 2021. Collection method: clinical testing. Allele origin: germline. Affected: yes.

Center for Pediatric Genomic Medicine, Children's Mercy Hospital and Clinics
Classification: Uncertain significance. Last evaluated: 2016-11-21. Review status: criteria provided, single submitter. Criteria: ACMG Guidelines, 2015. Collection method: clinical testing. Allele origin: germline.
ClinVar note: Converted during submission from Uncertain Significance to Uncertain significance.

Eurofins Ntd Llc (ga)
Classification: Likely benign. Last evaluated: 2016-08-02. Review status: criteria provided, single submitter. Criteria: EGL Classification Definitions 2015. Collection method: clinical testing. Allele origin: germline. Observed: 2 variant alleles, 1 heterozygote.

PreventionGenetics, part of Exact Sciences
Classification: Likely benign for CC2D2A-related condition. Last evaluated: 2022-06-08. Review status: no assertion criteria provided. Collection method: clinical testing. Allele origin: germline. Not counted in ClinVar's aggregate classification.
Comment: This variant is classified as likely benign based on ACMG/AMP sequence variant interpretation guidelines (Richards et al. 2015 PMID: 25741868, with internal and published modifications).

Clinical Genetics DNA and cytogenetics Diagnostics Lab, Erasmus MC, Erasmus Medical Center
Classification: Likely benign. Review status: no assertion criteria provided. Collection method: clinical testing. Allele origin: germline. Affected: yes. Study: VKGL Data-share Consensus. Not counted in ClinVar's aggregate classification.

Laboratory of Diagnostic Genome Analysis, Leiden University Medical Center (LUMC)
Classification: Likely benign. Review status: no assertion criteria provided. Collection method: clinical testing. Allele origin: germline. Affected: yes. Study: VKGL Data-share Consensus. Not counted in ClinVar's aggregate classification.

NM_001378615.1(CC2D2A):c.2813T>C (p.Met938Thr)

Genes: CC2D2A (coiled-coil and C2 domain containing 2A; plus strand), FBXL5 (F-box and leucine rich repeat protein 5; minus strand). Cytogenetic location: 4p15.32.
Variant type: single nucleotide variant.
Coding change: c.2813T>C on transcript NM_001378615.1 (MANE Select); coding-DNA position 2813, T replaced by C.
Protein change: p.Met938Thr; replaces methionine 938 with threonine.
Molecular consequence: missense variant.
Genome position (GRCh38, 1-based): chr4:15,557,491, T>C. VCF-style: chr4-15557491-T-C. GRCh37 (hg19) VCF-style: chr4-15559114-T-C.
Other names: p.Met938Thr; c.2813T>C, p.Met938Thr (NM_001080522.2); c.2666T>C, p.Met889Thr (NM_001378617.1); short protein forms M938T, M889T.
Identifiers: ClinVar variation 281114 (VCV000281114.50), dbSNP rs61740537, ClinGen allele CA2864006.